The following is an entry in ClinVar:

NM_004484.4(GPC3):c.1631C>T (p.Pro544Leu)

Gene: GPC3 (glypican 3; minus strand). Cytogenetic location: Xq26.2.
Variant type: single nucleotide variant.
Coding change: c.1631C>T on transcript NM_004484.4 (MANE Select); coding-DNA position 1631, C replaced by T.
Protein change: p.Pro544Leu; replaces proline 544 with leucine.
Molecular consequence: missense variant.
Genome position (GRCh38, 1-based): chrX:133,536,236, G>A on the plus strand (C>T on the coding strand, the complement: GPC3 is on the minus strand). VCF-style: chrX-133536236-G-A. GRCh37 (hg19) VCF-style: chrX-132670264-G-A.
Other names: p.Pro544Leu; c.1700C>T, p.Pro567Leu (NM_001164617.2); c.1583C>T, p.Pro528Leu (NM_001164618.2); c.1469C>T, p.Pro490Leu (NM_001164619.2); c.1700C>T (NM_001164617.1); short protein forms P544L, P490L, P567L, P528L.
Identifiers: ClinVar variation 239940 (VCV000239940.16), dbSNP rs375606908, ClinGen allele CA10520639.
Genomic context (GRCh38, chrX:133,536,236, plus strand): 5'-AGCTTCAGCGGGGAATGAACGTTCCCGAGGTTGTGAAAGGTGCTTATCTCGTTGTCCTTC[G>A]GAGTTGCCTGCTGACTGTTTCCAGGCGCATCATCCACATCCAGATCATAGGCCAGTTCTG-3'
Protein context (NP_004475.1, residues 534-554): DAPGNSQQAT[Pro544Leu]KDNEISTFHN

ClinVar aggregate classification (germline): Benign/Likely benign. Review status: criteria provided, multiple submitters, no conflicts (2 of 4 stars). 6 submissions from 6 submitters: Benign (4); Likely benign (2). Last evaluated 2026-04-06.

Conditions:
Hereditary cancer-predisposing syndrome. Also called: Tumor predisposition; Neoplastic Syndromes, Hereditary; Hereditary Cancer Syndrome; Hereditary neoplastic syndrome. Identifiers: Orphanet 140162, MedGen C0027672, MeSH D009386, MONDO:0015356.
Simpson-Golabi-Behmel syndrome type 1 (SGBS1). Also called: GPC3-Related Simpson-Golabi-Behmel Syndrome Type 1; BULLDOG SYNDROME; DYSPLASIA GIGANTISM SYNDROME, X-LINKED; GOLABI-ROSEN SYNDROME; SIMPSON DYSMORPHIA SYNDROME. Identifiers: Orphanet 373, MedGen C0796154, MONDO:0020602, OMIM 312870.
Wilms tumor 1 (WT1). Also called: Wilms tumor, somatic. Identifiers: Orphanet 654, MedGen CN033288, MONDO:0008679, OMIM 194070.

Allele frequency attached by ClinVar (database versions not stated): gnomAD 0.00011 and 0.00013; gnomAD exomes 0.00015 and 0.00032; TOPMed 0.00020; ExAC 0.00032.
gnomAD v4.1: 185 of 1,199,749 alleles (0.015%); highest among the groups gnomAD compares: East Asian, 0.45%; 1 homozygote.

Submissions (6):

Women's Health and Genetics/Laboratory Corporation of America, LabCorp
Classification: Benign. Last evaluated: 2026-04-06. Review status: criteria provided, single submitter. Criteria: LabCorp Variant Classification Summary - May 2015. Collection method: clinical testing. Allele origin: germline.
Comment: Variant summary: GPC3 c.1631C>T (p.Pro544Leu) results in a non-conservative amino acid change in the encoded protein sequence. Algorithms developed to predict the effect of missense changes on protein structure and function are either unavailable or do not agree on the potential impact of this missense change. The variant allele was found at a frequency of 0.00032 in 182945 control chromosomes, predominantly at a frequency of 0.004 within the East Asian subpopulation in the gnomAD database. The observed variant frequency within East Asian control individuals in the gnomAD database exceeds the estimated maximal expected allele frequency for disease-causing variants in GPC3. To our knowledge, no occurrence of c.1631C>T in individuals affected with GPC3-related conditions and no experimental evidence demonstrating its impact on protein function have been reported. ClinVar contains an entry for this variant (Variation ID: 239940). Based on the evidence outlined above, the variant was classified as benign.

Labcorp Genetics (formerly Invitae), Labcorp
Classification: Benign for Wilms tumor 1. Last evaluated: 2025-12-03. Review status: criteria provided, single submitter. Criteria: Invitae Variant Classification Sherloc (09022015). Collection method: clinical testing. Allele origin: germline.

Mayo Clinic Laboratories, Mayo Clinic
Classification: Benign. Last evaluated: 2025-04-10. Review status: criteria provided, single submitter. Criteria: ACMG Guidelines, 2015. Collection method: clinical testing. Allele origin: germline. Observed: 1 variant allele.
Comment: BS1, BS2, BP4_moderate

KCCC/NGS Laboratory, Kuwait Cancer Control Center
Classification: Benign for Simpson-Golabi-Behmel syndrome type 1. Last evaluated: 2023-07-07. Review status: criteria provided, single submitter. Criteria: ACMG Guidelines, 2015. Collection method: clinical testing. Allele origin: germline. Affected: yes.

Sema4
Classification: Likely benign for Hereditary cancer-predisposing syndrome. Last evaluated: 2021-11-27. Review status: criteria provided, single submitter. Criteria: Sema4 Curation Guidelines. Collection method: curation. Allele origin: germline.

GeneDx
Classification: Likely benign. Last evaluated: 2018-07-23. Review status: criteria provided, single submitter. Criteria: GeneDx Variant Classification Process June 2021. Collection method: clinical testing. Allele origin: germline. Affected: yes.
Comment: See Variant Classification Assertion Criteria.